The following is an entry in ClinVar:

NM_002049.4(GATA1):c.1168C>A (p.Pro390Thr)

Gene: GATA1 (GATA binding protein 1; plus strand). Cytogenetic location: Xp11.23.
Variant type: single nucleotide variant.
Coding change: c.1168C>A on transcript NM_002049.4 (MANE Select); coding-DNA position 1168, C replaced by A.
Protein change: p.Pro390Thr; replaces proline 390 with threonine.
Molecular consequence: missense variant.
Genome position (GRCh38, 1-based): chrX:48,794,090, C>A. VCF-style: chrX-48794090-C-A. GRCh37 (hg19) VCF-style: chrX-48652497-C-A.
Other names: short protein forms P390T.
Identifiers: ClinVar variation 3346473 (VCV003346473.1).
Genomic context (GRCh38, chrX:48,794,090, plus strand): 5'-GTGGTGCTGTCAGGGCCTGTTAGCCACCTCATGCCTTTCCCTGGACCCCTACTGGGCTCA[C>A]CCACGGGCTCCTTCCCCACAGGCCCCATGCCCCCCACCACCAGCACTACTGTGGTGGCTC-3'
Protein context (NP_002040.1, residues 380-400): MPFPGPLLGS[Pro390Thr]TGSFPTGPMP

ClinVar aggregate classification (germline): Uncertain significance (0 of 4 stars; one submission).

Conditions:
GATA1-related disorder. Also called: GATA1-related condition.

Submission:

PreventionGenetics, part of Exact Sciences
Classification: Uncertain significance for GATA1-related condition. Last evaluated: 2024-08-06. Review status: no assertion criteria provided. Collection method: clinical testing. Allele origin: germline.
Comment: The GATA1 c.1168C>A variant is predicted to result in the amino acid substitution p.Pro390Thr. To our knowledge, this variant has not been reported in the literature or in a large population database, indicating this variant is rare. At this time, the clinical significance of this variant is uncertain due to the absence of conclusive functional and genetic evidence.